The following is an entry in ClinVar:

NM_001292063.2(OTOG):c.8131C>T (p.Leu2711Phe)

Gene: OTOG (otogelin; plus strand). Cytogenetic location: 11p15.1.
Variant type: single nucleotide variant.
Coding change: c.8131C>T on transcript NM_001292063.2 (MANE Select); coding-DNA position 8131, C replaced by T.
Protein change: p.Leu2711Phe; replaces leucine 2711 with phenylalanine.
Molecular consequence: missense variant.
Genome position (GRCh38, 1-based): chr11:17,641,032, C>T. VCF-style: chr11-17641032-C-T. GRCh37 (hg19) VCF-style: chr11-17662579-C-T.
Other names: c.8167C>T, p.Leu2723Phe (NM_001277269.2); short protein forms L2711F, L2723F.
Identifiers: ClinVar variation 3777467 (VCV003777467.1).

ClinVar aggregate classification (germline): Uncertain significance (1 of 4 stars; one submission).

Submission:

GeneDx
Classification: Uncertain significance. Last evaluated: 2024-10-09. Review status: criteria provided, single submitter. Criteria: GeneDx Variant Classification Process June 2021. Collection method: clinical testing. Allele origin: germline. Affected: yes.
Comment: Not observed at significant frequency in large population cohorts (gnomAD); In silico analysis indicates that this missense variant does not alter protein structure/function; Has not been previously published as pathogenic or benign to our knowledge